The following is an entry in ClinVar:

NM_138711.6(PPARG):c.931G>C (p.Asp311His)

Gene: PPARG (peroxisome proliferator activated receptor gamma; plus strand). Cytogenetic location: 3p25.2.
Variant type: single nucleotide variant.
Coding change: c.931G>C on transcript NM_138711.6 (MANE Select); coding-DNA position 931, G replaced by C.
Protein change: p.Asp311His; replaces aspartic acid 311 with histidine.
Molecular consequence: missense variant. On other transcripts: intron variant (5).
Genome position (GRCh38, 1-based): chr3:12,416,905, G>C. VCF-style: chr3-12416905-G-C. GRCh37 (hg19) VCF-style: chr3-12458404-G-C.
Other names: c.931G>C, p.Asp311His (NM_001354666.3, NM_001354667.3, NM_001374263.2 and 3 more transcripts); c.304G>C, p.Asp102His (NM_001354669.2); c.1021G>C, p.Asp341His (NM_015869.5); c.729+10824G>C (NM_001374261.3, NM_001374262.3, NM_001330615.4); c.653+10906G>C (NM_001374266.1); c.819+10824G>C (NM_001374265.1); short protein forms D102H, D341H, D311H.
Identifiers: ClinVar variation 5006526 (VCV005006526.2).
Genomic context (GRCh38, chr3:12,416,905, plus strand): 5'-GTGCAGGAGATCACAGAGTATGCCAAAAGCATTCCTGGTTTTGTAAATCTTGACTTGAAC[G>C]ACCAAGTAACTCTCCTCAAATATGGAGTCCACGAGATCATTTACACAATGCTGGCCTCCT-3'
Protein context (NP_619725.3, residues 301-321): IPGFVNLDLN[Asp311His]QVTLLKYGVH

ClinVar aggregate classification (germline): Uncertain significance (1 of 4 stars; one submission).

Conditions:
Type 2 diabetes mellitus. Also called: Type II diabetes mellitus. Identifiers: MedGen C0011860, MeSH D003924, MONDO:0005148, OMIM 125853, HP:0005978.
CAROTID INTIMAL MEDIAL THICKNESS 1 (IMT1). Also called: INTIMAL MEDIAL THICKNESS OF INTERNAL CAROTID ARTERY. Identifiers: MedGen C1836302, OMIM 609338.
Inherited obesity. Also called: Monogenic Obesity. Identifiers: Orphanet 77828, MedGen C4054476, MONDO:0019182, OMIM 601665.
PPARG-related familial partial lipodystrophy. Also called: LIPODYSTROPHY, FAMILIAL PARTIAL, ASSOCIATED WITH PPARG MUTATIONS. Identifiers: Orphanet 79083, MedGen C1720861, MONDO:0011448, OMIM 604367.

Submission:

Juno Genomics, Hangzhou Juno Genomics, Inc
Classification: Uncertain significance for Type 2 diabetes mellitus; CAROTID INTIMAL MEDIAL THICKNESS 1; PPARG-related familial partial lipodystrophy; Inherited obesity. Review status: criteria provided, single submitter. Criteria: ACMG Guidelines, 2015. Collection method: clinical testing. Allele origin: germline.
Comment: Absent from controls (or at extremely low frequency if recessive) in Genome Aggregation Database.;Missense variant in a gene that has a low rate of benign missense variation.;Multiple lines of computational evidence support a deleterious effect on the gene or gene product.